The following is an entry in ClinVar:

ClinVar aggregate classification (germline): Benign/Likely benign. Review status: criteria provided, multiple submitters, no conflicts (2 of 4 stars). 11 submissions from 10 submitters: Benign (7); Likely benign (3). 1 of the submissions does not count toward it. Last evaluated 2026-07-01.

Conditions:
MYH9-related disorder. Identifiers: MedGen C1854520.
Autosomal dominant nonsyndromic hearing loss 17. Also called: Deafness, autosomal dominant 17; Autosomal dominant nonsyndromic deafness 17. Identifiers: Orphanet 90635, MedGen C1863659, MONDO:0011350, OMIM 603622.

Allele frequency attached by ClinVar (database versions not stated): ESP Exome Variant Server 0.00038; gnomAD 0.00038 and 0.00076; TOPMed 0.00042; gnomAD exomes 0.00130 and 0.00217; 1000 Genomes Project 0.00180; 1000 Genomes Project 30x 0.00219; ExAC 0.00228.
gnomAD v4.1: 2,031 of 1,613,812 alleles (0.13%); highest among the groups gnomAD compares: South Asian, 1.4%; 16 homozygotes.

Submissions (11):

CeGaT Center for Human Genetics Tuebingen
Classification: Benign. Last evaluated: 2026-07-01. Review status: criteria provided, single submitter. Criteria: CeGaT Center For Human Genetics Tuebingen Variant Classification Criteria Version 2. Collection method: clinical testing. Allele origin: germline. Affected: yes. Observed: 6 variant alleles.
Comment: MYH9: BP4, BP7, BS1, BS2

Labcorp Genetics (formerly Invitae), Labcorp
Classification: Benign. Last evaluated: 2026-02-01. Review status: criteria provided, single submitter. Criteria: Invitae Variant Classification Sherloc (09022015). Collection method: clinical testing. Allele origin: germline.

ARUP Laboratories, Molecular Genetics and Genomics, ARUP Laboratories
Classification: Likely benign. Last evaluated: 2025-07-14. Review status: criteria provided, single submitter. Criteria: ARUP Molecular Germline Variant Investigation Process 2024. Collection method: clinical testing. Allele origin: germline.

Mayo Clinic Laboratories, Mayo Clinic
Classification: Benign. Last evaluated: 2025-01-20. Review status: criteria provided, single submitter. Criteria: ACMG Guidelines, 2015. Collection method: clinical testing. Allele origin: germline. Observed: 3 variant alleles.
Comment: BS1, BS2, BP4, BP7

Blueprint Genetics
Classification: Likely benign. Last evaluated: 2024-11-28. Review status: criteria provided, single submitter. Criteria: ACMG Guidelines, 2015. Collection method: clinical testing. Allele origin: germline.

GeneDx
Classification: Benign. Last evaluated: 2020-01-09. Review status: criteria provided, single submitter. Criteria: GeneDx Variant Classification Process June 2021. Collection method: clinical testing. Allele origin: germline. Affected: yes.

Illumina Laboratory Services, Illumina
Classification: Benign for MYH9-related disorder. Last evaluated: 2018-01-12. Review status: criteria provided, single submitter. Criteria: ICSL Variant Classification Criteria 13 December 2019. Collection method: clinical testing. Allele origin: germline.
Comment: This variant was observed in the ICSL laboratory as part of a predisposition screen in an ostensibly healthy population. It had not been previously curated by ICSL or reported in the Human Gene Mutation Database (HGMD: prior to June 1st, 2018), and was therefore a candidate for classification through an automated scoring system. Utilizing variant allele frequency, disease prevalence and penetrance estimates, and inheritance mode, an automated score was calculated to assess if this variant is too frequent to cause the disease. Based on the score and internal cut-off values, a variant classified as benign is not then subjected to further curation. The score for this variant resulted in a classification of benign for this disease.

Illumina Laboratory Services, Illumina
Classification: Benign for Autosomal dominant nonsyndromic hearing loss 17. Last evaluated: 2018-01-12. Review status: criteria provided, single submitter. Criteria: ICSL Variant Classification Criteria 13 December 2019. Collection method: clinical testing. Allele origin: germline.
Comment: the same text as in the submission from Illumina Laboratory Services, Illumina above.

Laboratory for Molecular Medicine, Mass General Brigham Personalized Medicine
Classification: Benign. Last evaluated: 2015-07-05. Review status: criteria provided, single submitter. Criteria: LMM Criteria. Collection method: clinical testing. Allele origin: germline. Observed: 4 variant alleles.
Comment: Gln839Gln in Exon 21 of MYH9: This variant is not expected to have clinical sign ificance because it does not alter an amino acid residue, is not located within the splice consensus sequence, and has been identified in 1.3% (210/16484) of So uth Asian chromosomes by the Exome Aggregation Consortium (ExAC; dbSNP rs34498733).

Breakthrough Genomics
Classification: Likely benign. Review status: criteria provided, single submitter. Criteria: ACMG Guidelines, 2015. Collection method: not provided. Allele origin: germline. Inheritance: Autosomal dominant inheritance. Affected: yes.

PreventionGenetics, part of Exact Sciences
Classification: Benign for MYH9-related condition. Last evaluated: 2022-02-09. Review status: no assertion criteria provided. Collection method: clinical testing. Allele origin: germline. Not counted in ClinVar's aggregate classification.
Comment: This variant is classified as benign based on ACMG/AMP sequence variant interpretation guidelines (Richards et al. 2015 PMID: 25741868, with internal and published modifications).

NM_002473.6(MYH9):c.2517G>A (p.Gln839=)

Gene: MYH9 (myosin heavy chain 9; minus strand). Cytogenetic location: 22q12.3.
Variant type: single nucleotide variant.
Coding change: c.2517G>A on transcript NM_002473.6 (MANE Select); coding-DNA position 2517, G replaced by A.
Protein change: p.Gln839=; no amino-acid change (glutamine 839 retained).
Molecular consequence: synonymous variant.
Genome position (GRCh38, 1-based): chr22:36,301,648, C>T on the plus strand (G>A on the coding strand, the complement: MYH9 is on the minus strand). VCF-style: chr22-36301648-C-T. GRCh37 (hg19) VCF-style: chr22-36697694-C-T.
Other names: p.Gln839=.
Identifiers: ClinVar variation 164449 (VCV000164449.47), dbSNP rs34498733, ClinGen allele CA177120.
Genomic context (GRCh38, chr22:36,301,648, plus strand): 5'-CTCTCTGACCTTCACCAGCTCCTCCTCCTTGGCCATCATCTCCTCCTCCTGCCGGCTCAC[C>T]TGCAGCAGCGGCTTGACCTGGGAGAGGAGATAGAGGTAGAGACATGCTCGGCTGGAAGAT-3'
Protein context (NP_002464.1, residues 829-849): RLFTKVKPLL[Gln839=]VSRQEEEMMA